The following is an entry in ClinVar:

NM_001267550.2(TTN):c.62053G>T (p.Val20685Phe)

Genes: TTN (titin; minus strand), TTN-AS1 (TTN antisense RNA 1; plus strand). Cytogenetic location: 2q31.2.
Variant type: single nucleotide variant.
Coding change: c.62053G>T on transcript NM_001267550.2 (MANE Select); coding-DNA position 62053, G replaced by T.
Protein change: p.Val20685Phe; replaces valine 20685 with phenylalanine.
Molecular consequence: missense variant.
Genome position (GRCh38, 1-based): chr2:178,589,672, C>A on the plus strand (G>T on the coding strand, the complement: TTN is on the minus strand). VCF-style: chr2-178589672-C-A. GRCh37 (hg19) VCF-style: chr2-179454399-C-A.
Other names: c.57130G>T, p.Val19044Phe (NM_001256850.1); c.34858G>T, p.Val11620Phe (NM_003319.4); c.54349G>T, p.Val18117Phe (NM_133378.4); c.35233G>T, p.Val11745Phe (NM_133432.3); c.35434G>T, p.Val11812Phe (NM_133437.4); short protein forms V19044F, V11745F, V11812F, V11620F, V18117F, V20685F.
Identifiers: ClinVar variation 1810444 (VCV001810444.1), dbSNP rs748181916, ClinGen allele CA349466228.

ClinVar aggregate classification (germline): Uncertain significance (1 of 4 stars; one submission).

Allele frequency attached by ClinVar (database versions not stated): gnomAD exomes below 0.00001.
gnomAD v4.1: 6 of 1,613,506 alleles (0.00037%); highest among the groups gnomAD compares: Admixed American, 0.0033%; no homozygotes.

Submission:

GeneDx
Classification: Uncertain significance. Last evaluated: 2022-07-08. Review status: criteria provided, single submitter. Criteria: GeneDx Variant Classification Process June 2021. Collection method: clinical testing. Allele origin: germline. Affected: yes.
Comment: Not observed at significant frequency in large population cohorts (gnomAD); Missense variant in a gene in which most reported pathogenic variants are truncating/loss of function; Has not been previously published as pathogenic or benign to our knowledge